The following is an entry in ClinVar:

ClinVar aggregate classification (germline): Uncertain significance. Review status: criteria provided, multiple submitters, no conflicts (2 of 4 stars). 2 submissions from 2 submitters: Uncertain significance (2). Last evaluated 2025-11-06.

Conditions:
Pancreatic adenocarcinoma. Identifiers: MedGen C0281361, MONDO:0006047, HP:0006725.

Allele frequency attached by ClinVar (database versions not stated): gnomAD exomes 0.00003 and 0.00004; gnomAD 0.00004 and 0.00005; ExAC 0.00005; TOPMed 0.00005.
gnomAD v4.1: 44 of 1,612,286 alleles (0.0027%); highest among the groups gnomAD compares: Middle Eastern, 0.033%; no homozygotes.

Submissions (2):

Labcorp Genetics (formerly Invitae), Labcorp
Classification: Uncertain significance for Pancreatic adenocarcinoma. Last evaluated: 2025-11-06. Review status: criteria provided, single submitter. Criteria: Invitae Variant Classification Sherloc (09022015). Collection method: clinical testing. Allele origin: germline.
Comment: This sequence change replaces arginine, which is basic and polar, with glutamine, which is neutral and polar, at codon 378 of the PALLD protein (p.Arg378Gln). This variant is present in population databases (rs780692056, gnomAD 0.02%). This variant has not been reported in the literature in individuals affected with PALLD-related conditions. ClinVar contains an entry for this variant (Variation ID: 216532). An algorithm developed to predict the effect of missense changes on protein structure and function (PolyPhen-2) suggests that this variant is likely to be disruptive. In summary, the available evidence is currently insufficient to determine the role of this variant in disease. Therefore, it has been classified as a Variant of Uncertain Significance.

Ambry Genetics
Classification: Uncertain significance. Last evaluated: 2022-09-26. Review status: criteria provided, single submitter. Criteria: Ambry Variant Classification Scheme 2023. Collection method: clinical testing. Allele origin: germline.
Comment: The p.R865Q variant (also known as c.2594G>A), located in coding exon 14 of the PALLD gene, results from a G to A substitution at nucleotide position 2594. The arginine at codon 865 is replaced by glutamine, an amino acid with highly similar properties. This amino acid position is conserved. In addition, the in silico prediction for this alteration is inconclusive. Since supporting evidence is limited at this time, the clinical significance of this alteration remains unclear.

NM_001166108.2(PALLD):c.2645G>A (p.Arg882Gln)

Genes: CBR4 (carbonyl reductase 4; minus strand), PALLD (palladin, cytoskeletal associated protein; plus strand). Cytogenetic location: 4q32.3.
Variant type: single nucleotide variant.
Coding change: c.2645G>A on transcript NM_001166108.2 (MANE Select); coding-DNA position 2645, G replaced by A.
Protein change: p.Arg882Gln; replaces arginine 882 with glutamine.
Molecular consequence: missense variant.
Genome position (GRCh38, 1-based): chr4:168,913,949, G>A. VCF-style: chr4-168913949-G-A. GRCh37 (hg19) VCF-style: chr4-169835100-G-A.
Other names: c.1448G>A, p.Arg483Gln (NM_001166109.2); c.1133G>A, p.Arg378Gln (NM_001166110.2); c.473G>A, p.Arg158Gln (NM_001367567.1, NM_001367569.1); c.524G>A, p.Arg175Gln (NM_001367568.1, NM_001367570.1); c.2594G>A, p.Arg865Gln (NM_016081.4); short protein forms R378Q, R865Q, R882Q, R158Q, R175Q, R483Q.
Identifiers: ClinVar variation 216532 (VCV000216532.11), dbSNP rs780692056, ClinGen allele CA338220.